The following is an entry in ClinVar:

NM_032119.4(ADGRV1):c.12553G>A (p.Gly4185Arg)

Gene: ADGRV1 (adhesion G protein-coupled receptor V1; plus strand). Cytogenetic location: 5q14.3.
Variant type: single nucleotide variant.
Coding change: c.12553G>A on transcript NM_032119.4 (MANE Select); coding-DNA position 12553, G replaced by A.
Protein change: p.Gly4185Arg; replaces glycine 4185 with arginine.
Molecular consequence: missense variant. On other transcripts: non-coding transcript variant (1).
Genome position (GRCh38, 1-based): chr5:90,777,930, G>A. VCF-style: chr5-90777930-G-A. GRCh37 (hg19) VCF-style: chr5-90073747-G-A.
Other names: short protein forms G4185R.
Identifiers: ClinVar variation 1400918 (VCV001400918.6), dbSNP rs2150076488, ClinGen allele CA360387026.

ClinVar aggregate classification (germline): Uncertain significance (1 of 4 stars; one submission).

Submission:

Labcorp Genetics (formerly Invitae), Labcorp
Classification: Uncertain significance. Last evaluated: 2023-08-10. Review status: criteria provided, single submitter. Criteria: Invitae Variant Classification Sherloc (09022015). Collection method: clinical testing. Allele origin: germline.
Comment: In summary, the available evidence is currently insufficient to determine the role of this variant in disease. Therefore, it has been classified as a Variant of Uncertain Significance. An algorithm developed to predict the effect of missense changes on protein structure and function (PolyPhen-2) suggests that this variant is likely to be disruptive. ClinVar contains an entry for this variant (Variation ID: 1400918). This variant has not been reported in the literature in individuals affected with ADGRV1-related conditions. This variant is not present in population databases (gnomAD no frequency). This sequence change replaces glycine, which is neutral and non-polar, with arginine, which is basic and polar, at codon 4185 of the ADGRV1 protein (p.Gly4185Arg).